The following is an entry in ClinVar:

NM_001853.4(COL9A3):c.360T>C (p.Pro120=)

Gene: COL9A3 (collagen type IX alpha 3 chain; plus strand). Cytogenetic location: 20q13.33.
Variant type: single nucleotide variant.
Coding change: c.360T>C on transcript NM_001853.4 (MANE Select); coding-DNA position 360, T replaced by C.
Protein change: p.Pro120=; no amino-acid change (proline 120 retained).
Molecular consequence: synonymous variant.
Genome position (GRCh38, 1-based): chr20:62,821,521, T>C. VCF-style: chr20-62821521-T-C. GRCh37 (hg19) VCF-style: chr20-61452873-T-C.
Identifiers: ClinVar variation 1203138 (VCV001203138.14), dbSNP rs769310210, ClinGen allele CA9949197.

ClinVar aggregate classification (germline): Likely benign. Review status: criteria provided, multiple submitters, no conflicts (2 of 4 stars). 4 submissions from 4 submitters: Likely benign (3). 1 of the submissions does not count toward it. Last evaluated 2026-01-06.

Conditions:
COL9A3-related disorder. Also called: COL9A3-related condition.

Allele frequency attached by ClinVar (database versions not stated): ExAC 0.00002; gnomAD exomes 0.00002; gnomAD 0.00004 and 0.00005; TOPMed 0.00005.
gnomAD v4.1: 72 of 1,612,712 alleles (0.0045%); highest among the groups gnomAD compares: Non-Finnish European, 0.0059%; no homozygotes.

Submissions (4):

Labcorp Genetics (formerly Invitae), Labcorp
Classification: Likely benign. Last evaluated: 2026-01-06. Review status: criteria provided, single submitter. Criteria: Invitae Variant Classification Sherloc (09022015). Collection method: clinical testing. Allele origin: germline.

Blueprint Genetics
Classification: Likely benign. Last evaluated: 2024-01-15. Review status: criteria provided, single submitter. Criteria: ACMG Guidelines, 2015. Collection method: clinical testing. Allele origin: germline.

GeneDx
Classification: Likely benign. Last evaluated: 2021-03-08. Review status: criteria provided, single submitter. Criteria: GeneDx Variant Classification Process June 2021. Collection method: clinical testing. Allele origin: germline. Affected: yes.

PreventionGenetics, part of Exact Sciences
Classification: Likely benign for COL9A3-related condition. Last evaluated: 2020-09-08. Review status: no assertion criteria provided. Collection method: clinical testing. Allele origin: germline. Not counted in ClinVar's aggregate classification.
Comment: This variant is classified as likely benign based on ACMG/AMP sequence variant interpretation guidelines (Richards et al. 2015 PMID: 25741868, with internal and published modifications).